The following is an entry in ClinVar:

NM_000443.4(ABCB4):c.862G>C (p.Glu288Gln)

Gene: ABCB4 (ATP binding cassette subfamily B member 4; minus strand). Cytogenetic location: 7q21.12.
Variant type: single nucleotide variant.
Coding change: c.862G>C on transcript NM_000443.4 (MANE Select); coding-DNA position 862, G replaced by C.
Protein change: p.Glu288Gln; replaces glutamic acid 288 with glutamine.
Molecular consequence: missense variant.
Genome position (GRCh38, 1-based): chr7:87,447,177, C>G on the plus strand (G>C on the coding strand, the complement: ABCB4 is on the minus strand). VCF-style: chr7-87447177-C-G. GRCh37 (hg19) VCF-style: chr7-87076493-C-G.
Other names: c.862G>C, p.Glu288Gln (NM_018849.3, NM_018850.3); short protein forms E288Q.
Identifiers: ClinVar variation 4994860 (VCV004994860.1).

ClinVar aggregate classification (germline): Uncertain significance (1 of 4 stars; one submission).

Conditions:
ABCB4-related disorder. Also called: ABCB4-related disorders; ABCB4-related condition.

Submission:

PreventionGenetics, part of Exact Sciences
Classification: Uncertain significance for ABCB4-related condition. Last evaluated: 2025-10-03. Review status: criteria provided, single submitter. Criteria: ACMG Guidelines, 2015. Collection method: clinical testing. Allele origin: germline.
Comment: The ABCB4 c.862G>C variant is predicted to result in the amino acid substitution p.Glu288Gln. To our knowledge, this variant has not been reported in the literature or in a large population database (gnomAD), indicating this variant is rare. At this time, the clinical significance of this variant is uncertain due to the absence of conclusive functional and genetic evidence.